The following is an entry in ClinVar:

NM_000384.3(APOB):c.598G>A (p.Ala200Thr)

Gene: APOB (apolipoprotein B; minus strand). Cytogenetic location: 2p24.1.
Variant type: single nucleotide variant.
Coding change: c.598G>A on transcript NM_000384.3 (MANE Select); coding-DNA position 598, G replaced by A.
Protein change: p.Ala200Thr; replaces alanine 200 with threonine.
Molecular consequence: missense variant.
Genome position (GRCh38, 1-based): chr2:21,037,195, C>T on the plus strand (G>A on the coding strand, the complement: APOB is on the minus strand). VCF-style: chr2-21037195-C-T. GRCh37 (hg19) VCF-style: chr2-21260067-C-T.
Other names: short protein forms A200T.
Identifiers: ClinVar variation 646465 (VCV000646465.24), dbSNP rs763878189, ClinGen allele CA062693.
Genomic context (GRCh38, chr2:21,037,195, plus strand): 5'-TGCGGATGGGCTTGAAGCGATCACACTGCCCCAGGTCTCTTTCAGTGGATATTTCTGTTG[C>T]CACATTGCCCTTCCTCGTCTTGACGGTAAAGTGAGTGGAGCAGTTTCCATACACGGTATC-3'
Protein context (NP_000375.3, residues 190-210): FTVKTRKGNV[Ala200Thr]TEISTERDLG

ClinVar aggregate classification (germline): Conflicting classifications of pathogenicity. Review status: criteria provided, conflicting classifications (1 of 4 stars). 7 submissions from 6 submitters: Uncertain significance (6); Likely benign (1). Last evaluated 2026-01-25.

Conditions:
Familial hypobetalipoproteinemia 1. Also called: APOB-Related Familial Hypobetalipoproteinemia; Hypobetalipoproteinemia, normotriglyceridemic; Acanthocytosis with hypobetalipoproteinemia. Identifiers: MedGen C4551990, MONDO:0014252, OMIM 615558.
Hypercholesterolemia, autosomal dominant, type B (FHCL2). Also called: APOB-Related Familial Hypercholesterolemia, Autosomal Dominant; Hyperlipoproteinemia Type IIb; Familial Hypercholesterolemia Type B; APOLIPOPROTEIN B-100, FAMILIAL DEFECTIVE; APOLIPOPROTEIN B-100, FAMILIAL LIGAND-DEFECTIVE; Familial hypercholesterolemia 2. Identifiers: MedGen C1704417, MONDO:0007751, OMIM 144010.
Cardiovascular phenotype. Identifiers: MedGen CN230736.

Allele frequency attached by ClinVar (database versions not stated): ExAC 0.00002; gnomAD exomes 0.00003 and 0.00004.
gnomAD v4.1: 61 of 1,614,180 alleles (0.0038%); highest among the groups gnomAD compares: Non-Finnish European, 0.0047%; no homozygotes.

Submissions (7):

Labcorp Genetics (formerly Invitae), Labcorp
Classification: Likely benign for Familial hypobetalipoproteinemia 1; Hypercholesterolemia, autosomal dominant, type B. Last evaluated: 2026-01-25. Review status: criteria provided, single submitter. Criteria: Invitae Variant Classification Sherloc (09022015). Collection method: clinical testing. Allele origin: germline.

Ambry Genetics
Classification: Uncertain significance for Cardiovascular phenotype. Last evaluated: 2025-03-12. Review status: criteria provided, single submitter. Criteria: Ambry Variant Classification Scheme 2023. Collection method: clinical testing. Allele origin: germline.
Comment: The p.A200T variant (also known as c.598G>A), located in coding exon 6 of the APOB gene, results from a G to A substitution at nucleotide position 598. The alanine at codon 200 is replaced by threonine, an amino acid with similar properties. This amino acid position is well conserved in available vertebrate species. This variant has been reported in an individual diagnosed with familial hypercholesterolemia (Futema M et al. J. Med. Genet., 2014 Aug;51:537-44). In addition, this alteration is predicted to be tolerated by in silico analysis. Since supporting evidence is limited at this time, the clinical significance of this alteration remains unclear.

Quest Diagnostics Nichols Institute San Juan Capistrano
Classification: Uncertain significance. Last evaluated: 2023-11-29. Review status: criteria provided, single submitter. Criteria: Quest Diagnostics criteria. Collection method: clinical testing. Allele origin: unknown.
Comment: The APOB c.598G>A (p.Ala200Thr) variant has been reported in the published literature in affected individuals with Familial hypercholesterolemia (PMID: 24987033 (2014)). The frequency of this variant in the general population, 0.00007 (8/113732 chromosomes (Genome Aggregation Database)), is uninformative in the assessment of its pathogenicity. Analysis of this variant using bioinformatics tools for the prediction of the effect of amino acid changes on protein structure and function yielded conflicting predictions that this variant is deleterious or benign. Based on the available information, we are unable to determine the clinical significance of this variant.

Fulgent Genetics
Classification: Uncertain significance for Hypercholesterolemia, autosomal dominant, type B; Familial hypobetalipoproteinemia 1. Last evaluated: 2021-10-10. Review status: criteria provided, single submitter. Criteria: ACMG Guidelines, 2015. Collection method: clinical testing. Allele origin: unknown.

GeneDx
Classification: Uncertain significance. Last evaluated: 2019-06-14. Review status: criteria provided, single submitter. Criteria: GeneDx Variant Classification Process June 2021. Collection method: clinical testing. Allele origin: germline. Affected: yes.
Comment: In silico analysis, which includes protein predictors and evolutionary conservation, supports a deleterious effect; This variant is associated with the following publications: (PMID: 24987033)

Illumina Laboratory Services, Illumina
Classification: Uncertain significance for Hypercholesterolemia, autosomal dominant, type B. Last evaluated: 2017-08-20. Review status: criteria provided, single submitter. Criteria: ICSL Variant Classification Criteria 13 December 2019. Collection method: clinical testing. Allele origin: germline.
Comment: This variant was observed as part of a predisposition screen in an ostensibly healthy population. A literature search was performed for the gene, cDNA change, and amino acid change (where applicable). Publications were found based on this search. However, the evidence from the literature, in combination with allele frequency data from public databases where available, was not sufficient to rule this variant in or out of causing disease. Therefore, this variant is classified as a variant of unknown significance.

Illumina Laboratory Services, Illumina
Classification: Uncertain significance for Familial hypobetalipoproteinemia 1. Last evaluated: 2017-08-20. Review status: criteria provided, single submitter. Criteria: ICSL Variant Classification Criteria 13 December 2019. Collection method: clinical testing. Allele origin: germline.

Literature cited by the submitters: PubMed 24987033 (cited by 3 submitters).